The following is an entry in ClinVar:

ClinVar aggregate classification (germline): Uncertain significance. Review status: criteria provided, multiple submitters, no conflicts (2 of 4 stars). 3 submissions from 3 submitters: Uncertain significance (3). Last evaluated 2025-08-08.

Conditions:
Inborn genetic diseases. Identifiers: MedGen C0950123, MeSH D030342.
Mosaic variegated aneuploidy syndrome 2 (MVA2). Identifiers: Orphanet 1052, MedGen C3279843, MONDO:0013582, OMIM 614114.

Allele frequency attached by ClinVar (database versions not stated): gnomAD 0.00001 and 0.00002; gnomAD exomes 0.00001; ExAC 0.00002; TOPMed 0.00002.
gnomAD v4.1: 15 of 1,613,072 alleles (0.00093%); highest among the groups gnomAD compares: Admixed American, 0.005%; no homozygotes.

Submissions (3):

Ambry Genetics
Classification: Uncertain significance for Inborn genetic diseases. Last evaluated: 2025-08-08. Review status: criteria provided, single submitter. Criteria: Ambry Variant Classification Scheme 2023. Collection method: clinical testing. Allele origin: germline.

Labcorp Genetics (formerly Invitae), Labcorp
Classification: Uncertain significance for Mosaic variegated aneuploidy syndrome 2. Last evaluated: 2020-10-14. Review status: criteria provided, single submitter. Criteria: Invitae Variant Classification Sherloc (09022015). Collection method: clinical testing. Allele origin: germline.
Comment: In summary, the available evidence is currently insufficient to determine the role of this variant in disease. Therefore, it has been classified as a Variant of Uncertain Significance. Algorithms developed to predict the effect of missense changes on protein structure and function are either unavailable or do not agree on the potential impact of this missense change (SIFT: "Tolerated"; PolyPhen-2: "Probably Damaging"; Align-GVGD: "Class C0"). This variant has not been reported in the literature in individuals with CEP57-related conditions. This variant is present in population databases (rs763144202, ExAC 0.003%). This sequence change replaces glutamic acid with aspartic acid at codon 148 of the CEP57 protein (p.Glu148Asp). The glutamic acid residue is highly conserved and there is a small physicochemical difference between glutamic acid and aspartic acid.

Baylor Genetics
Classification: Uncertain significance for Mosaic variegated aneuploidy syndrome 2. Last evaluated: 2019-05-17. Review status: criteria provided, single submitter. Criteria: ACMG Guidelines, 2015. Collection method: clinical testing. Allele origin: unknown. Affected: yes.
Comment: This variant was determined to be of uncertain significance according to ACMG Guidelines, 2015 [PMID:25741868].

NM_014679.5(CEP57):c.444A>C (p.Glu148Asp)

Gene: CEP57 (centrosomal protein 57; plus strand). Cytogenetic location: 11q21.
Variant type: single nucleotide variant.
Coding change: c.444A>C on transcript NM_014679.5 (MANE Select); coding-DNA position 444, A replaced by C.
Protein change: p.Glu148Asp; replaces glutamic acid 148 with aspartic acid.
Molecular consequence: missense variant.
Genome position (GRCh38, 1-based): chr11:95,813,529, A>C. VCF-style: chr11-95813529-A-C. GRCh37 (hg19) VCF-style: chr11-95546693-A-C.
Other names: c.417A>C, p.Glu139Asp (NM_001243776.2); c.444A>C, p.Glu148Asp (NM_001243777.2); c.363A>C, p.Glu121Asp (NM_001363604.2); short protein forms E121D, E139D, E148D.
Identifiers: ClinVar variation 1000566 (VCV001000566.11), dbSNP rs763144202, ClinGen allele CA6239475.
Genomic context (GRCh38, chr11:95,813,529, plus strand): 5'-ACTGACATCTCAGTTGTTAGCTGCAGAAAATAAATGCAATCTATTAGAAAAACAATTGGA[A>C]TACATGCGAAATATGATAAAGCATGCCGAAATGGAGAGGACATCTGTCTTAGAGAAACAA-3'
Protein context (NP_055494.2, residues 138-158): NKCNLLEKQL[Glu148Asp]YMRNMIKHAE